The following is an entry in ClinVar:

ClinVar aggregate classification (germline): Uncertain significance (1 of 4 stars; one submission).

Allele frequency attached by ClinVar (database versions not stated): gnomAD exomes below 0.00001 and 0.00001; ExAC 0.00001; gnomAD 0.00002.
gnomAD v4.1: 3 of 1,204,677 alleles (0.00025%); highest among the groups gnomAD compares: African/African-American, 0.0053%; no homozygotes.

Submission:

GeneDx
Classification: Uncertain significance. Last evaluated: 2025-01-14. Review status: criteria provided, single submitter. Criteria: GeneDx Variant Classification Process June 2021. Collection method: clinical testing. Allele origin: germline. Affected: yes.
Comment: In silico analysis supports that this missense variant does not alter protein structure/function; Has not been previously published as pathogenic or benign to our knowledge

NM_001356.5(DDX3X):c.1289T>A (p.Phe430Tyr)

Gene: DDX3X (DEAD-box helicase 3 X-linked; plus strand). Cytogenetic location: Xp11.4.
Variant type: single nucleotide variant.
Coding change: c.1289T>A on transcript NM_001356.5 (MANE Select); coding-DNA position 1289, T replaced by A.
Protein change: p.Phe430Tyr; replaces phenylalanine 430 with tyrosine.
Molecular consequence: missense variant. On other transcripts: non-coding transcript variant (1).
Genome position (GRCh38, 1-based): chrX:41,345,522, T>A. VCF-style: chrX-41345522-T-A. GRCh37 (hg19) VCF-style: chrX-41204775-T-A.
Other names: c.1289T>A, p.Phe430Tyr (NM_001193416.3); c.1241T>A, p.Phe414Tyr (NM_001193417.3); c.731T>A, p.Phe244Tyr (NM_001363819.1); short protein forms F244Y, F414Y, F430Y.
Identifiers: ClinVar variation 1700795 (VCV001700795.3), dbSNP rs773694310, ClinGen allele CA10389610.
Genomic context (GRCh38, chrX:41,345,522, plus strand): 5'-CTACCTCTGAAAACATCACACAGAAAGTAGTTTGGGTGGAAGAATCAGACAAACGGTCAT[T>A]TCTGCTTGACCTCCTAAATGCAACAGGTAACATTATGAATTTTTTATTTTATTAGACATG-3'
Protein context (NP_001347.3, residues 420-440): VWVEESDKRS[Phe430Tyr]LLDLLNATGK